The following is an entry in ClinVar:

NM_005629.4(SLC6A8):c.262_262+1delinsTT

Gene: SLC6A8 (solute carrier family 6 member 8; plus strand). Cytogenetic location: Xq28.
Variant type: Indel.
Coding change: c.262_262+1delinsTT on transcript NM_005629.4 (MANE Select); coding-DNA position 262 through the canonical splice donor site of the intron after coding-DNA position 262, GG replaced by TT.
Molecular consequence: splice donor variant.
Genome position (GRCh38, 1-based): chrX:153,688,836-153,688,837, GG replaced by TT. VCF-style: chrX-153688836-GG-TT. GRCh37 (hg19) VCF-style: chrX-152954291-GG-TT.
Other names: NM_001142805.2:c.262_262+1delinsTT; c.262_262+1delinsTT (NM_001142805.2).
Identifiers: ClinVar variation 3775041 (VCV003775041.2).

ClinVar aggregate classification (germline): Pathogenic. Review status: reviewed by expert panel (3 of 4 stars). 2 submissions from 2 submitters: Pathogenic (1). 1 of the submissions does not count toward it. Last evaluated 2025-01-09.

Conditions:
SLC6A8-related disorder. Also called: SLC6A8-related condition.
Creatine transporter deficiency (CCDS1). Also called: CEREBRAL CREATINE DEFICIENCY SYNDROME 1; Creatine Transporter (CRTR) Deficiency; Mental retardation , X-linked with seizures, short stature and midface hypoplasia; Mental retardation , X-linked, with creatine transport deficiency; X-linked creatine transporter deficiency; X-linked creatine deficiency syndrome. Identifiers: Orphanet 52503, MedGen C1845862, MONDO:0010305, OMIM 300352.

Submissions (2):

ClinGen Cerebral Creatine Deficiency Syndromes Variant Curation Expert Panel, ClinGen
Classification: Pathogenic for Creatine transporter deficiency. Last evaluated: 2025-01-09. Review status: reviewed by expert panel. Criteria: ClinGen_CCDS_ACMG_Specifications_SLC6A8_v1.1. Collection method: curation. Allele origin: germline. Inheritance: X-linked inheritance.
Comment: The NM_005629.4:c.262_262+1delinsTT variant (a.k.a. NC_000023.11:g.153688836_153688837delinsTT) alters the donor splice site of intron 1, replacing the last nucleotide of exon 1 and first nucleotide of intron 1 with TT. SpliceAI predicts that the donor splice site will be obliterated (Score for donor loss = 0.99). To our knowledge, no RNA studies are available to indicate the impact of the variant on splicing. However, an out of frame consequence is predicted (PVS1). The variant was reported to be de novo (Abstract 278-P, PMID: 18677552) (PP4_Strong, PM6). The variant is absent in gnomAD v2.1.1. and v4.1.0 (PM2_Supporting). Another variant at the same donor splice site dinucleotide, c.262+1G>T (ClinVar Variation ID: 3066445, SCV004809059.1) has been classified as pathogenic by the ClinGen Cerebral Creatine Deficiency Syndromes Variant Curation Expert Panel which allows PS1_Supporting to be applied (PMID: 37352859) (PS1_Supporting). In summary, this variant meets the criteria to be classified as pathogenic for X-linked creatine transporter deficiency. SLC6A8-specific criteria applied, as specified by the ClinGen CCDS VCEP (Specifications Version 1.1.0): PVS1, PP4_Strong, PM6, PS1_Supporting, PM2_Supporting. (Classification approved by the ClinGen Cerebral Creatine Deficiencies Variant Curation Expert Panel, Jan 9, 2025)

Blueprint Genetics
Classification: Likely pathogenic for SLC6A8-related disorders. Last evaluated: 2021-01-21. Review status: criteria provided, single submitter. Criteria: ACMG Guidelines, 2015. Collection method: clinical testing. Allele origin: germline. Affected: yes. Observed: 1 variant allele. Not counted in ClinVar's aggregate classification.